The following is an entry in ClinVar:

ClinVar aggregate classification (germline): Uncertain significance. Review status: criteria provided, multiple submitters, no conflicts (2 of 4 stars). 2 submissions from 2 submitters: Uncertain significance (2). Last evaluated 2025-01-21.

Conditions:
Inborn genetic diseases. Identifiers: MedGen C0950123, MeSH D030342.

Allele frequency attached by ClinVar (database versions not stated): ExAC 0.00002; gnomAD 0.00007; ESP Exome Variant Server 0.00008; 1000 Genomes Project 0.00020; 1000 Genomes Project 30x 0.00031.
gnomAD v4.1: 24 of 1,614,110 alleles (0.0015%); highest among the groups gnomAD compares: African/African-American, 0.019%; no homozygotes.

Submissions (2):

Ambry Genetics
Classification: Uncertain significance for Inborn genetic diseases. Last evaluated: 2025-01-21. Review status: criteria provided, single submitter. Criteria: Ambry Variant Classification Scheme 2023. Collection method: clinical testing. Allele origin: germline.

Labcorp Genetics (formerly Invitae), Labcorp
Classification: Uncertain significance. Last evaluated: 2022-11-08. Review status: criteria provided, single submitter. Criteria: Invitae Variant Classification Sherloc (09022015). Collection method: clinical testing. Allele origin: germline.
Comment: In summary, the available evidence is currently insufficient to determine the role of this variant in disease. Therefore, it has been classified as a Variant of Uncertain Significance. Algorithms developed to predict the effect of missense changes on protein structure and function are either unavailable or do not agree on the potential impact of this missense change (SIFT: "Deleterious"; PolyPhen-2: "Benign"; Align-GVGD: "Class C0"). This variant has not been reported in the literature in individuals affected with LRRK1-related conditions. This variant is present in population databases (rs200666835, gnomAD 0.02%). This sequence change replaces valine, which is neutral and non-polar, with glycine, which is neutral and non-polar, at codon 1185 of the LRRK1 protein (p.Val1185Gly).

NM_024652.6(LRRK1):c.3554T>G (p.Val1185Gly)

Genes: LRRK1-AS1 (LRRK1 antisense RNA 1; minus strand), LRRK1 (leucine rich repeat kinase 1; plus strand). Cytogenetic location: 15q26.3.
Variant type: single nucleotide variant.
Coding change: c.3554T>G on transcript NM_024652.6 (MANE Select); coding-DNA position 3554, T replaced by G.
Protein change: p.Val1185Gly; replaces valine 1185 with glycine.
Molecular consequence: missense variant.
Genome position (GRCh38, 1-based): chr15:101,051,825, T>G. VCF-style: chr15-101051825-T-G. GRCh37 (hg19) VCF-style: chr15-101592030-T-G.
Other names: c.3554T>G (NM_024652.3); short protein forms V1185G.
Identifiers: ClinVar variation 2715245 (VCV002715245.3), dbSNP rs200666835, ClinGen allele CA7761557.